The following is an entry in ClinVar:

ClinVar aggregate classification (germline): Likely pathogenic (1 of 4 stars; one submission).

Submission:

GeneDx
Classification: Likely pathogenic. Last evaluated: 2025-02-10. Review status: criteria provided, single submitter. Criteria: GeneDx Variant Classification Process June 2021. Collection method: clinical testing. Allele origin: germline. Affected: yes.
Comment: Occurs in the triple helical domain and replaces a glycine in a canonical Gly-X-Y repeat; missense substitution of a canonical glycine residue is expected to disrupt normal protein folding and function, and this is an established mechanism of disease (PMID: 34007986); Not observed at significant frequency in large population cohorts (gnomAD); In silico analysis supports that this missense variant has a deleterious effect on protein structure/function; Reported in an individual with spondyloepiphyseal dysplasia congenita and their affected parent (PMID: 35581182); This variant is associated with the following publications: (PMID: 26443184, 34007986, 35581182)

NM_001844.5(COL2A1):c.1628G>A (p.Gly543Glu)

Gene: COL2A1 (collagen type II alpha 1 chain; minus strand). Cytogenetic location: 12q13.11.
Variant type: single nucleotide variant.
Coding change: c.1628G>A on transcript NM_001844.5 (MANE Select); coding-DNA position 1628, G replaced by A.
Protein change: p.Gly543Glu; replaces glycine 543 with glutamic acid.
Molecular consequence: missense variant.
Genome position (GRCh38, 1-based): chr12:47,985,780, C>T on the plus strand (G>A on the coding strand, the complement: COL2A1 is on the minus strand). VCF-style: chr12-47985780-C-T. GRCh37 (hg19) VCF-style: chr12-48379563-C-T.
Other names: c.1421G>A, p.Gly474Glu (NM_033150.3); short protein forms G474E, G543E.
Identifiers: ClinVar variation 4074350 (VCV004074350.1).